The following is an entry in ClinVar:

NM_013245.3(VPS4A):c.537C>T (p.Ala179=)

Gene: VPS4A (vacuolar protein sorting 4 homolog A; plus strand). Cytogenetic location: 16q22.1.
Variant type: single nucleotide variant.
Coding change: c.537C>T on transcript NM_013245.3 (MANE Select); coding-DNA position 537, C replaced by T.
Protein change: p.Ala179=; no amino-acid change (alanine 179 retained).
Molecular consequence: synonymous variant.
Genome position (GRCh38, 1-based): chr16:69,319,460, C>T. VCF-style: chr16-69319460-C-T. GRCh37 (hg19) VCF-style: chr16-69353363-C-T.
Identifiers: ClinVar variation 4873055 (VCV004873055.2).
Genomic context (GRCh38, chr16:69,319,460, plus strand): 5'-CTGGCGGGGGATTCTGCTGTTCGGACCCCCTGGCACAGGGAAATCCTACCTGGCCAAAGC[C>T]GTGGCAACAGAGGCCAACAACTCCACCTTCTTCTCTGTGTCCTCCTCAGATCTGATGTCC-3'
Protein context (NP_037377.1, residues 169-189): PGTGKSYLAK[Ala179=]VATEANNSTF

ClinVar aggregate classification (germline): Likely benign (1 of 4 stars; one submission).

gnomAD v4.1: 44 of 1,613,908 alleles (0.0027%); highest among the groups gnomAD compares: Middle Eastern, 0.016%; no homozygotes.

Submission:

CeGaT Center for Human Genetics Tuebingen
Classification: Likely benign. Last evaluated: 2026-04-01. Review status: criteria provided, single submitter. Criteria: CeGaT Center For Human Genetics Tuebingen Variant Classification Criteria Version 2. Collection method: clinical testing. Allele origin: germline. Affected: yes. Observed: 1 variant allele.
Comment: VPS4A: BP4, BP7